The following is an entry in ClinVar:

NM_001368397.1(FRMPD4):c.1068C>T (p.Ile356=)

Gene: FRMPD4 (FERM and PDZ domain containing 4; plus strand). Cytogenetic location: Xp22.2.
Variant type: single nucleotide variant.
Coding change: c.1068C>T on transcript NM_001368397.1 (MANE Select); coding-DNA position 1068, C replaced by T.
Protein change: p.Ile356=; no amino-acid change (isoleucine 356 retained).
Molecular consequence: synonymous variant.
Genome position (GRCh38, 1-based): chrX:12,702,008, C>T. VCF-style: chrX-12702008-C-T. GRCh37 (hg19) VCF-style: chrX-12720127-C-T.
Other names: c.1179C>T, p.Ile393= (NM_001368395.3, NM_001368398.3); c.1074C>T, p.Ile358= (NM_001368396.3); c.1059C>T, p.Ile353= (NM_001368399.3); c.948C>T, p.Ile316= (NM_001368400.3); c.1044C>T, p.Ile348= (NM_001368401.1, NM_001368402.3); c.1068C>T, p.Ile356= (NM_014728.3).
Identifiers: ClinVar variation 2660005 (VCV002660005.24), dbSNP rs1040001720, ClinGen allele CA326104827.

ClinVar aggregate classification (germline): Likely benign (1 of 4 stars; one submission).

Allele frequency attached by ClinVar (database versions not stated): gnomAD exomes below 0.00001; gnomAD 0.00002; TOPMed 0.00002.
gnomAD v4.1: 5 of 1,208,763 alleles (0.00041%); highest among the groups gnomAD compares: African/African-American, 0.0017%; no homozygotes.

Submission:

CeGaT Center for Human Genetics Tuebingen
Classification: Likely benign. Last evaluated: 2023-01-01. Review status: criteria provided, single submitter. Criteria: CeGaT Center For Human Genetics Tuebingen Variant Classification Criteria Version 2. Collection method: clinical testing. Allele origin: germline. Affected: yes. Observed: 1 variant allele.
Comment: FRMPD4: BP4, BP7